The following is an entry in ClinVar:

NM_001042472.3(ABHD12):c.162C>G (p.Ala54=)

Gene: ABHD12 (abhydrolase domain containing 12, lysophospholipase; minus strand). Cytogenetic location: 20p11.21.
Variant type: single nucleotide variant.
Coding change: c.162C>G on transcript NM_001042472.3 (MANE Select); coding-DNA position 162, C replaced by G.
Protein change: p.Ala54=; no amino-acid change (alanine 54 retained).
Molecular consequence: synonymous variant.
Genome position (GRCh38, 1-based): chr20:25,390,542, G>C on the plus strand (C>G on the coding strand, the complement: ABHD12 is on the minus strand). VCF-style: chr20-25390542-G-C. GRCh37 (hg19) VCF-style: chr20-25371178-G-C.
Other names: c.162C>G, p.Ala54= (NM_015600.5).
Identifiers: ClinVar variation 1623579 (VCV001623579.23), dbSNP rs1445435596, ClinGen allele CA509882591.

ClinVar aggregate classification (germline): Conflicting classifications of pathogenicity. Review status: criteria provided, conflicting classifications (1 of 4 stars). 3 submissions from 3 submitters: Uncertain significance (1); Likely benign (2). Last evaluated 2025-07-03.

gnomAD v4.1: 14 of 1,462,102 alleles (0.00096%); highest among the groups gnomAD compares: Middle Eastern, 0.023%; no homozygotes.

Submissions (3):

Labcorp Genetics (formerly Invitae), Labcorp
Classification: Likely benign. Last evaluated: 2025-07-03. Review status: criteria provided, single submitter. Criteria: Invitae Variant Classification Sherloc (09022015). Collection method: clinical testing. Allele origin: germline.

CeGaT Center for Human Genetics Tuebingen
Classification: Likely benign. Last evaluated: 2024-11-01. Review status: criteria provided, single submitter. Criteria: CeGaT Center For Human Genetics Tuebingen Variant Classification Criteria Version 2. Collection method: clinical testing. Allele origin: germline. Affected: yes. Observed: 1 variant allele.
Comment: ABHD12: BP4, BP7

Blueprint Genetics
Classification: Uncertain significance. Last evaluated: 2024-07-11. Review status: criteria provided, single submitter. Criteria: ACMG Guidelines, 2015. Collection method: clinical testing. Allele origin: germline.